The following is an entry in ClinVar:

ClinVar aggregate classification (germline): Uncertain significance (1 of 4 stars; one submission).

Submission:

Ambry Genetics
Classification: Uncertain significance. Last evaluated: 2024-09-12. Review status: criteria provided, single submitter. Criteria: Ambry Variant Classification Scheme 2023. Collection method: clinical testing. Allele origin: germline.
Comment: The p.D919N variant (also known as c.2755G>A), located in coding exon 15 of the PALLD gene, results from a G to A substitution at nucleotide position 2755. The aspartic acid at codon 919 is replaced by asparagine, an amino acid with highly similar properties. This amino acid position is conserved. In addition, this alteration is predicted to be tolerated by in silico analysis. Based on the available evidence, the clinical significance of this variant remains unclear.

NM_001166108.2(PALLD):c.2806G>A (p.Asp936Asn)

Genes: CBR4 (carbonyl reductase 4; minus strand), PALLD (palladin, cytoskeletal associated protein; plus strand). Cytogenetic location: 4q32.3.
Variant type: single nucleotide variant.
Coding change: c.2806G>A on transcript NM_001166108.2 (MANE Select); coding-DNA position 2806, G replaced by A.
Protein change: p.Asp936Asn; replaces aspartic acid 936 with asparagine.
Molecular consequence: missense variant.
Genome position (GRCh38, 1-based): chr4:168,915,983, G>A. VCF-style: chr4-168915983-G-A. GRCh37 (hg19) VCF-style: chr4-169837134-G-A.
Other names: c.1609G>A, p.Asp537Asn (NM_001166109.2); c.1294G>A, p.Asp432Asn (NM_001166110.2); c.634G>A, p.Asp212Asn (NM_001367567.1, NM_001367569.1); c.685G>A, p.Asp229Asn (NM_001367568.1, NM_001367570.1); c.2755G>A, p.Asp919Asn (NM_016081.4); short protein forms D432N, D212N, D537N, D229N, D919N, D936N.
Identifiers: ClinVar variation 3413619 (VCV003413619.1).